The following is an entry in ClinVar:

ClinVar aggregate classification (germline): Benign. Review status: criteria provided, multiple submitters, no conflicts (2 of 4 stars). 2 submissions from 2 submitters: Benign (2). Last evaluated 2018-01-12.

Conditions:
Fibrous dysplasia of jaw (CRBM). Also called: Cherubism. Identifiers: Orphanet 184, MedGen C0008029, MONDO:0007315, OMIM 118400.

Allele frequency attached by ClinVar (database versions not stated): 1000 Genomes Project 0.65276; 1000 Genomes Project 30x 0.65990; gnomAD 0.66062; TOPMed 0.67398.

Submissions (2):

Illumina Laboratory Services, Illumina
Classification: Benign for Fibrous dysplasia of jaw. Last evaluated: 2018-01-12. Review status: criteria provided, single submitter. Criteria: ICSL Variant Classification Criteria 13 December 2019. Collection method: clinical testing. Allele origin: germline.
Comment: This variant was observed in the ICSL laboratory as part of a predisposition screen in an ostensibly healthy population. It had not been previously curated by ICSL or reported in the Human Gene Mutation Database (HGMD: prior to June 1st, 2018), and was therefore a candidate for classification through an automated scoring system. Utilizing variant allele frequency, disease prevalence and penetrance estimates, and inheritance mode, an automated score was calculated to assess if this variant is too frequent to cause the disease. Based on the score and internal cut-off values, a variant classified as benign is not then subjected to further curation. The score for this variant resulted in a classification of benign for this disease.

Breakthrough Genomics
Classification: Benign. Review status: criteria provided, single submitter. Criteria: ACMG Guidelines, 2015. Collection method: not provided. Allele origin: germline. Inheritance: Autosomal dominant inheritance. Affected: yes.

NM_001122681.2(SH3BP2):c.*5679T>C

Gene: SH3BP2 (SH3 domain binding protein 2; plus strand). Cytogenetic location: 4p16.3.
Variant type: single nucleotide variant.
Coding change: c.*5679T>C on transcript NM_001122681.2 (MANE Select); 5679 bases downstream of the stop codon, T replaced by C.
Molecular consequence: 3 prime UTR variant.
Genome position (GRCh38, 1-based): chr4:2,839,513, T>C. VCF-style: chr4-2839513-T-C. GRCh37 (hg19) VCF-style: chr4-2841240-T-C.
Other names: c.*5679T>C (LRG_1334t1, LRG_1334t2, NM_001145855.2 and 2 more transcripts).
Identifiers: ClinVar variation 348689 (VCV000348689.6), dbSNP rs4690002, ClinGen allele CA10620951.